The following is an entry in ClinVar:

NM_138694.4(PKHD1):c.3775G>A (p.Asp1259Asn)

Gene: PKHD1 (PKHD1 ciliary IPT domain containing fibrocystin/polyductin; minus strand). Cytogenetic location: 6p12.2.
Variant type: single nucleotide variant.
Coding change: c.3775G>A on transcript NM_138694.4 (MANE Select); coding-DNA position 3775, G replaced by A.
Protein change: p.Asp1259Asn; replaces aspartic acid 1259 with asparagine.
Molecular consequence: missense variant.
Genome position (GRCh38, 1-based): chr6:52,026,035, C>T on the plus strand (G>A on the coding strand, the complement: PKHD1 is on the minus strand). VCF-style: chr6-52026035-C-T. GRCh37 (hg19) VCF-style: chr6-51890833-C-T.
Other names: c.3775G>A (NM_138694.3); c.3775G>A, p.Asp1259Asn (NM_170724.3); short protein forms D1259N.
Identifiers: ClinVar variation 1352593 (VCV001352593.6), dbSNP rs894304918, ClinGen allele CA138947662.
Genomic context (GRCh38, chr6:52,026,035, plus strand): 5'-CGAAGAACCTGTTGCCAGCCCAGACCTCCACGGCAGCTGGAACAGTGGGAGCGCCCGCAT[C>T]GGGTATCTGGGGGGCTGGCAGGGTTTCACACCAGATGCTCGCCTCCGTTAAGTTCACAAT-3'
Protein context (NP_619639.3, residues 1249-1269): CETLPAPQIP[Asp1259Asn]AGAPTVPAAV

ClinVar aggregate classification (germline): Uncertain significance. Review status: criteria provided, multiple submitters, no conflicts (2 of 4 stars). 2 submissions from 2 submitters: Uncertain significance (2). Last evaluated 2023-05-09.

Conditions:
Inborn genetic diseases. Identifiers: MedGen C0950123, MeSH D030342.
Autosomal recessive polycystic kidney disease (ARPKD). Also called: AR polycystic kidney disease. Identifiers: Orphanet 731, Orphanet 8378, MedGen C0085548, MeSH D017044, MONDO:0009889.

Allele frequency attached by ClinVar (database versions not stated): gnomAD exomes below 0.00001 and 0.00001; gnomAD 0.00002.
gnomAD v4.1: 11 of 1,613,972 alleles (0.00068%); highest among the groups gnomAD compares: African/African-American, 0.0053%; no homozygotes.

Submissions (2):

Ambry Genetics
Classification: Uncertain significance for Inborn genetic diseases. Last evaluated: 2023-05-09. Review status: criteria provided, single submitter. Criteria: Ambry Variant Classification Scheme 2023. Collection method: clinical testing. Allele origin: germline.

Labcorp Genetics (formerly Invitae), Labcorp
Classification: Uncertain significance for Autosomal recessive polycystic kidney disease. Last evaluated: 2021-08-24. Review status: criteria provided, single submitter. Criteria: Invitae Variant Classification Sherloc (09022015). Collection method: clinical testing. Allele origin: germline.
Comment: This sequence change replaces aspartic acid with asparagine at codon 1259 of the PKHD1 protein (p.Asp1259Asn). The aspartic acid residue is weakly conserved and there is a small physicochemical difference between aspartic acid and asparagine. This variant is not present in population databases (ExAC no frequency). This variant has not been reported in the literature in individuals affected with PKHD1-related conditions. Advanced modeling of protein sequence and biophysical properties (such as structural, functional, and spatial information, amino acid conservation, physicochemical variation, residue mobility, and thermodynamic stability) performed at Invitae indicates that this missense variant is not expected to disrupt PKHD1 protein function. In summary, the available evidence is currently insufficient to determine the role of this variant in disease. Therefore, it has been classified as a Variant of Uncertain Significance.